The following is an entry in ClinVar:

NM_002439.5(MSH3):c.2042del (p.Pro681fs)

Gene: MSH3 (mutS homolog 3; plus strand). Cytogenetic location: 5q14.1.
Variant type: Deletion.
Coding change: c.2042del on transcript NM_002439.5 (MANE Select); coding-DNA position 2042, one base deleted (C; older notation c.2042delC).
Protein change: p.Pro681fs; shifts the reading frame from proline 681.
Molecular consequence: frameshift variant.
Genome position (GRCh38, 1-based): chr5:80,768,078, C deleted; the last of 2 consecutive C bases (chr5:80,768,077-80,768,078); deleting either gives the same sequence. VCF-style (leftmost placement, unchanged base first): chr5-80768076-TC-T. GRCh37 (hg19) VCF-style: chr5-80063895-TC-T.
Other names: short protein forms P681fs.
Identifiers: ClinVar variation 1072789 (VCV001072789.7), dbSNP rs1744154190, ClinGen allele CA1558520769.

ClinVar aggregate classification (germline): Pathogenic (1 of 4 stars; one submission).

Submission:

Labcorp Genetics (formerly Invitae), Labcorp
Classification: Pathogenic. Last evaluated: 2022-07-25. Review status: criteria provided, single submitter. Criteria: Invitae Variant Classification Sherloc (09022015). Collection method: clinical testing. Allele origin: germline.
Comment: For these reasons, this variant has been classified as Pathogenic. ClinVar contains an entry for this variant (Variation ID: 1072789). This variant has not been reported in the literature in individuals affected with MSH3-related conditions. This variant is not present in population databases (gnomAD no frequency). This sequence change creates a premature translational stop signal (p.Pro681Glnfs*6) in the MSH3 gene. It is expected to result in an absent or disrupted protein product. Loss-of-function variants in MSH3 are known to be pathogenic (PMID: 27476653).

Literature cited by the submitters: PubMed 27476653.